The following is an entry in ClinVar:

NM_000388.4(CASR):c.2102G>A (p.Arg701His)

Gene: CASR (calcium sensing receptor; plus strand). Cytogenetic location: 3q21.1.
Variant type: single nucleotide variant.
Coding change: c.2102G>A on transcript NM_000388.4 (MANE Select); coding-DNA position 2102, G replaced by A.
Protein change: p.Arg701His; replaces arginine 701 with histidine.
Molecular consequence: missense variant.
Genome position (GRCh38, 1-based): chr3:122,284,056, G>A. VCF-style: chr3-122284056-G-A. GRCh37 (hg19) VCF-style: chr3-122002903-G-A.
Other names: c.2132G>A, p.Arg711His (NM_001178065.2); c.2132G>A (NM_001178065.1); short protein forms R701H, R711H.
Identifiers: ClinVar variation 644647 (VCV000644647.15), dbSNP rs1284532044, ClinGen allele CA354158557.

ClinVar aggregate classification (germline): Uncertain significance. Review status: criteria provided, multiple submitters, no conflicts (2 of 4 stars). 4 submissions from 4 submitters: Uncertain significance (4). Last evaluated 2026-06-05.

Conditions:
Autosomal dominant hypocalcemia 1 (HYPOC1). Also called: HYPOCALCEMIA, FAMILIAL. Identifiers: MedGen C3715128, MONDO:0011013, OMIM 601198.
Familial hypocalciuric hypercalcemia (FHH). Also called: Familial benign hypercalcemia. Identifiers: Orphanet 405, MedGen C1809471, MONDO:0018458.
CASR-related disorder. Also called: CASR-related condition.
Nephrolithiasis/nephrocalcinosis. Identifiers: MedGen CN580796.

Allele frequency attached by ClinVar (database versions not stated): gnomAD exomes below 0.00001; gnomAD 0.00001; TOPMed 0.00001.

Submissions (4):

PreventionGenetics, part of Exact Sciences
Classification: Uncertain significance for CASR-related condition. Last evaluated: 2026-06-05. Review status: criteria provided, single submitter. Criteria: ACMG Guidelines, 2015. Collection method: clinical testing. Allele origin: germline.
Comment: The CASR c.2132G>A variant is predicted to result in the amino acid substitution p.Arg711His. To our knowledge, this variant has not been reported in the literature or in a large population database (gnomAD), indicating this variant is rare. This variant is referred to as c.2102G>A, p.Arg701His in the NM_000388 transcript. Alternate variants at the same amino acid position (p.Arg701Gly, p.Arg701Pro in the NM_000388 transcript) have been reported in individuals with hypocalciuric hypercalcaemia (Mullin et al. 2022. PubMed ID: 35356007; Hannan et al. 2012. PubMed ID: 22422767). At this time, the clinical significance of the p.Arg711His variant is uncertain due to the absence of conclusive functional and genetic evidence.

Labcorp Genetics (formerly Invitae), Labcorp
Classification: Uncertain significance for Familial hypocalciuric hypercalcemia; Autosomal dominant hypocalcemia 1. Last evaluated: 2023-07-08. Review status: criteria provided, single submitter. Criteria: Invitae Variant Classification Sherloc (09022015). Collection method: clinical testing. Allele origin: germline.
Comment: An algorithm developed to predict the effect of missense changes on protein structure and function (PolyPhen-2) suggests that this variant is likely to be disruptive. In summary, the available evidence is currently insufficient to determine the role of this variant in disease. Therefore, it has been classified as a Variant of Uncertain Significance. ClinVar contains an entry for this variant (Variation ID: 644647). This variant has not been reported in the literature in individuals affected with CASR-related conditions. This variant is not present in population databases (gnomAD no frequency). This sequence change replaces arginine, which is basic and polar, with histidine, which is basic and polar, at codon 701 of the CASR protein (p.Arg701His).

Ambry Genetics
Classification: Uncertain significance for Nephrolithiasis/nephrocalcinosis. Last evaluated: 2022-05-12. Review status: criteria provided, single submitter. Criteria: Ambry Variant Classification Scheme 2023. Collection method: clinical testing. Allele origin: germline.
Comment: The p.R701H variant (also known as c.2102G>A), located in coding exon 6 of the CASR gene, results from a G to A substitution at nucleotide position 2102. The arginine at codon 701 is replaced by histidine, an amino acid with highly similar properties. This amino acid position is conserved. In addition, this alteration is predicted to be deleterious by in silico analysis. Since supporting evidence is limited at this time, the clinical significance of this alteration remains unclear.

GeneDx
Classification: Uncertain significance. Last evaluated: 2020-10-29. Review status: criteria provided, single submitter. Criteria: GeneDx Variant Classification Process June 2021. Collection method: clinical testing. Allele origin: germline. Affected: yes.
Comment: Not observed in large population cohorts (Lek 2016); In silico analysis supports that this missense variant does not alter protein structure/function; Has not been previously published as pathogenic or benign to our knowledge